The following is an entry in ClinVar:

NM_000465.4(BARD1):c.1410T>C (p.Asn470=)

Gene: BARD1 (BRCA1 associated RING domain 1; minus strand). Cytogenetic location: 2q35.
Variant type: single nucleotide variant.
Coding change: c.1410T>C on transcript NM_000465.4 (MANE Select); coding-DNA position 1410, T replaced by C.
Protein change: p.Asn470=; no amino-acid change (asparagine 470 retained).
Molecular consequence: synonymous variant. On other transcripts: non-coding transcript variant (3), intron variant (3).
Genome position (GRCh38, 1-based): chr2:214,767,640, A>G on the plus strand (T>C on the coding strand, the complement: BARD1 is on the minus strand). VCF-style: chr2-214767640-A-G. GRCh37 (hg19) VCF-style: chr2-215632364-A-G.
Other names: c.1353T>C, p.Asn451= (NM_001282543.2); c.159-15085T>C (NM_001282548.2); c.216-15085T>C (NM_001282545.2); c.364+24657T>C (NM_001282549.2).
Identifiers: ClinVar variation 3379364 (VCV003379364.3).

ClinVar aggregate classification (germline): Benign/Likely benign. Review status: criteria provided, multiple submitters, no conflicts (2 of 4 stars). 2 submissions from 2 submitters: Benign (1); Likely benign (1). Last evaluated 2024-07-25.

Conditions:
Familial cancer of breast. Also called: hereditary breast carcinoma; Hereditary breast cancer; BREAST CANCER, FAMILIAL. Identifiers: Orphanet 227535, MedGen C0346153, MONDO:0016419, OMIM 114480. Disease mechanism: loss of function.

gnomAD v4.1: 1 of 1,614,042 alleles (0.000062%); highest among the groups gnomAD compares: Non-Finnish European, 0.000085%; no homozygotes.

Submissions (2):

Myriad Genetics, Inc.
Classification: Benign for Familial cancer of breast. Last evaluated: 2024-07-25. Review status: criteria provided, single submitter. Criteria: Myriad Autosomal Dominant, Autosomal Recessive and X-Linked Classification Criteria (2023). Collection method: clinical testing. Allele origin: unknown.
Comment: This variant is considered benign. This variant is a silent/synonymous amino acid change and it is not expected to impact splicing.

Labcorp Genetics (formerly Invitae), Labcorp
Classification: Likely benign for Familial cancer of breast. Last evaluated: 2024-03-29. Review status: criteria provided, single submitter. Criteria: Invitae Variant Classification Sherloc (09022015). Collection method: clinical testing. Allele origin: germline.